The following is an entry in ClinVar:

NM_001034853.2(RPGR):c.2420_2435del (p.Glu807fs)

Gene: RPGR (retinitis pigmentosa GTPase regulator; minus strand). Cytogenetic location: Xp11.4.
Variant type: Deletion.
Coding change: c.2420_2435del on transcript NM_001034853.2 (MANE Select); coding-DNA positions 2420 to 2435, 16 bases deleted (AAAAAGAGGAGGGAGG).
Protein change: p.Glu807fs; shifts the reading frame from glutamic acid 807.
Molecular consequence: frameshift variant. On other transcripts: intron variant (8).
Genome position (GRCh38, 1-based): chrX:38,286,564-38,286,579, CCTCCCTCCTCTTTTT deleted on the plus strand (AAAAAGAGGAGGGAGG on the coding strand, the reverse complement: RPGR is on the minus strand); deleting any 16 consecutive bases within chrX:38,286,564-38,286,585 gives the same sequence; the c. name uses the placement nearest the transcript's 3' end. VCF-style (leftmost placement, unchanged base first): chrX-38286563-CCCTCCCTCCTCTTTTT-C. GRCh37 (hg19) VCF-style: chrX-38145816-CCCTCCCTCCTCTTTTT-C.
Other names: NM_001034853.2(RPGR):c.2420_2435del; p.Glu807fs; c.1569+4380_1569+4395del (NM_001367249.1, NM_001367250.1); c.1902+515_1902+530del (NM_001367245.1); c.1386+4380_1386+4395del (NM_001367251.1); c.1719+515_1719+530del (NM_001367246.1); c.1572+4380_1572+4395del (NM_001367247.1); c.1905+515_1905+530del (NM_000328.3); and 1 more; short protein forms E807fs.
Identifiers: ClinVar variation 1297120 (VCV001297120.3), dbSNP rs2147197891, ClinGen allele CA2499226690.

ClinVar aggregate classification (germline): Pathogenic. Review status: reviewed by expert panel (3 of 4 stars). 2 submissions from 2 submitters: Pathogenic (1). 1 of the submissions does not count toward it. Last evaluated 2025-09-05.

Conditions:
RPGR-related retinopathy. Also called: RPGR retinopathy. Identifiers: MedGen CN305589, MONDO:0100437.
Retinitis pigmentosa (RP). Identifiers: Orphanet 791, MedGen C0035334, MeSH D012174, MONDO:0019200, OMIM 268000. Inheritance: Autosomal dominant, autosomal recessive and X linked inheritance.

Submissions (2):

ClinGen X-linked Inherited Retinal Disease Variant Curation Expert Panel, ClinGen
Classification: Pathogenic for RPGR-related retinopathy. Last evaluated: 2025-09-05. Review status: reviewed by expert panel. Criteria: ClinGen X LinkedIRD ACMG Specifications RPGR V1.0.0. Collection method: curation. Allele origin: germline. Inheritance: X-linked inheritance.
Comment: NM_001034853.2(RPGR):c.2420_2435del (p.Glu807GlyfsTer3) is a frameshift variant due to 16-nucleotide deletion starting in codon 807, introducing a premature stop codon after 3 amino acids in exon 15 that is predicted to disrupt a critical C-terminal region required for proper glutamylation of RPGR (PVS1, PMID: 36445968). This variant is absent from gnomAD v4.1.0 (PM2_Supporting). This variant has been reported in at least 2 apparently unrelated probands meeting one of the PS4 requirements of a male with some functional vision impairment by age 30 years and/or decreased or absent electroretinogram responses, or a female with functional visual abnormality and documentation of a male relative affected with retinitis pigmentosa (PMIDs: 24938718, 36445968, PS4_Supporting). In summary, this variant is classified as pathogenic for RPGR-related retinopathy based on the ClinGen X-linked Inherited Retinal Disease Expert Panel Specifications to the ACMG/AMP Variant Interpretation Guidelines for RPGR Version 1.0.0; PVS1, PS4_Supporting, and PM2_Supporting.

Broad Center for Mendelian Genomics, Broad Institute of MIT and Harvard
Classification: Likely pathogenic for Retinitis pigmentosa. Last evaluated: 2021-04-01. Review status: criteria provided, single submitter. Criteria: ACMG Guidelines, 2015. Collection method: curation. Allele origin: germline. Inheritance: X-linked inheritance. Affected: yes. Not counted in ClinVar's aggregate classification.
Comment: Through a review of available evidence we were able to apply the following criteria: PVS1, PM2. Based on this evidence we have classified this variant as Likely Pathogenic. If you have any questions about the classification please reach out to the Pierce Lab.

Literature cited by the submitters: PubMed 34906470 (cited by Broad Center for Mendelian Genomics, Broad Institute of MIT and Harvard).